The following is an entry in ClinVar:

NM_021951.3(DMRT1):c.286A>T (p.Met96Leu)

Gene: DMRT1 (doublesex and mab-3 related transcription factor 1; plus strand). Cytogenetic location: 9p24.3.
Variant type: single nucleotide variant.
Coding change: c.286A>T on transcript NM_021951.3 (MANE Select); coding-DNA position 286, A replaced by T.
Protein change: p.Met96Leu; replaces methionine 96 with leucine.
Molecular consequence: missense variant.
Genome position (GRCh38, 1-based): chr9:842,124, A>T. VCF-style: chr9-842124-A-T. GRCh37 (hg19) VCF-style: chr9-842124-A-T.
Other names: short protein forms M96L.
Identifiers: ClinVar variation 4780789 (VCV004780789.1).
Genomic context (GRCh38, chr9:842,124, plus strand): 5'-TGCGCACGCTGCAGGAACCACGGCTACGCCTCGCCGCTCAAGGGCCACAAGCGCTTCTGC[A>T]TGTGGCGCGACTGCCAGTGCAAGAAGTGCAACCTGATCGCCGAGAGGCAGCGCGTGATGG-3'
Protein context (NP_068770.2, residues 86-106): SPLKGHKRFC[Met96Leu]WRDCQCKKCN

ClinVar aggregate classification (germline): Uncertain significance (1 of 4 stars; one submission).

Submission:

Labcorp Genetics (formerly Invitae), Labcorp
Classification: Uncertain significance. Last evaluated: 2025-02-03. Review status: criteria provided, single submitter. Criteria: Invitae Variant Classification Sherloc (09022015). Collection method: clinical testing. Allele origin: germline.
Comment: This sequence change replaces methionine, which is neutral and non-polar, with leucine, which is neutral and non-polar, at codon 96 of the DMRT1 protein (p.Met96Leu). This variant is not present in population databases (gnomAD no frequency). This variant has not been reported in the literature in individuals affected with DMRT1-related conditions. Invitae Evidence Modeling of protein sequence and biophysical properties (such as structural, functional, and spatial information, amino acid conservation, physicochemical variation, residue mobility, and thermodynamic stability) indicates that this missense variant is not expected to disrupt DMRT1 protein function with a negative predictive value of 80%. In summary, the available evidence is currently insufficient to determine the role of this variant in disease. Therefore, it has been classified as a Variant of Uncertain Significance.